The following is an entry in ClinVar:

NM_001943.5(DSG2):c.3331A>T (p.Ser1111Cys)

Genes: DSG2-AS1 (DSG2 antisense RNA 1; minus strand), DSG2 (desmoglein 2; plus strand). Cytogenetic location: 18q12.1.
Variant type: single nucleotide variant.
Coding change: c.3331A>T on transcript NM_001943.5 (MANE Select); coding-DNA position 3331, A replaced by T.
Protein change: p.Ser1111Cys; replaces serine 1111 with cysteine.
Molecular consequence: missense variant.
Genome position (GRCh38, 1-based): chr18:31,546,717, A>T. VCF-style: chr18-31546717-A-T. GRCh37 (hg19) VCF-style: chr18-29126680-A-T.
Other names: short protein forms S1111C.
Identifiers: ClinVar variation 1730321 (VCV001730321.9), dbSNP rs2073314940, ClinGen allele CA402149469.

ClinVar aggregate classification (germline): Uncertain significance. Review status: criteria provided, multiple submitters, no conflicts (2 of 4 stars). 3 submissions from 3 submitters: Uncertain significance (3). Last evaluated 2024-10-17.

Conditions:
Cardiovascular phenotype. Identifiers: MedGen CN230736.
Arrhythmogenic right ventricular cardiomyopathy (ARVD). Also called: Cardiomyopathy, ARVC; Arrhythmogenic right ventricular dysplasia; Arrhythmogenic cardiomyopathy; Arrhythmogenic Right Ventricular Cardiomyopathy (ARVC). Identifiers: Orphanet 247, MedGen C0349788, MeSH D019571, MONDO:0016587. Disease mechanism: loss of function. Inheritance: Various modes of inheritance.
Arrhythmogenic right ventricular dysplasia 10. Also called: Arrhythmogenic Right Ventricular Dysplasia/Cardiomyopathy10; ARRHYTHMOGENIC RIGHT VENTRICULAR DYSPLASIA, FAMILIAL, 10; Arrhythmogenic right ventricular dysplasia/cardiomyopathy, type 10. Identifiers: MedGen C1857777, MONDO:0012434, OMIM 610193.

Allele frequency attached by ClinVar (database versions not stated): TOPMed below 0.00001.

Submissions (3):

Ambry Genetics
Classification: Uncertain significance for Cardiovascular phenotype. Last evaluated: 2024-10-17. Review status: criteria provided, single submitter. Criteria: Ambry Variant Classification Scheme 2023. Collection method: clinical testing. Allele origin: germline.
Comment: The p.S1111C variant (also known as c.3331A>T), located in coding exon 15 of the DSG2 gene, results from an A to T substitution at nucleotide position 3331. The serine at codon 1111 is replaced by cysteine, an amino acid with dissimilar properties. This amino acid position is highly conserved in available vertebrate species. In addition, the in silico prediction for this alteration is inconclusive. Since supporting evidence is limited at this time, the clinical significance of this alteration remains unclear.

All of Us Research Program, National Institutes of Health
Classification: Uncertain significance for Arrhythmogenic right ventricular cardiomyopathy. Last evaluated: 2024-07-10. Review status: criteria provided, single submitter. Criteria: ACMG Guidelines, 2015. Collection method: clinical testing. Allele origin: germline. Inheritance: Autosomal dominant inheritance. Observed: 1 variant allele, 1 heterozygote.
Comment: This missense variant replaces serine with cysteine at codon 1111 of the DSG2 protein. Computational prediction suggests that this variant may not impact protein structure and function (internally defined REVEL score threshold <= 0.5, PMID: 27666373). To our knowledge, functional studies have not been reported for this variant. This variant has not been reported in individuals affected with DSG2-related disorders in the literature. This variant has not been identified in the general population by the Genome Aggregation Database (gnomAD). The available evidence is insufficient to determine the role of this variant in disease conclusively. Therefore, this variant is classified as a Variant of Uncertain Significance.

This study involves interpretation of variants in research participants for the purpose of population health screening. Participant phenotype was not available at the time of variant classification. Additional details can be found in publication PMID: 35346344, PMCID: PMC8962531

Labcorp Genetics (formerly Invitae), Labcorp
Classification: Uncertain significance for Arrhythmogenic right ventricular dysplasia 10. Last evaluated: 2022-06-27. Review status: criteria provided, single submitter. Criteria: Invitae Variant Classification Sherloc (09022015). Collection method: clinical testing. Allele origin: germline.
Comment: This sequence change replaces serine, which is neutral and polar, with cysteine, which is neutral and slightly polar, at codon 1111 of the DSG2 protein (p.Ser1111Cys). This variant is not present in population databases (gnomAD no frequency). This variant has not been reported in the literature in individuals affected with DSG2-related conditions. Algorithms developed to predict the effect of missense changes on protein structure and function are either unavailable or do not agree on the potential impact of this missense change (SIFT: "Deleterious"; PolyPhen-2: "Probably Damaging"; Align-GVGD: "Class C0"). In summary, the available evidence is currently insufficient to determine the role of this variant in disease. Therefore, it has been classified as a Variant of Uncertain Significance.